The following is an entry in ClinVar:

ClinVar aggregate classification (germline): Pathogenic (1 of 4 stars; one submission).

Conditions:
Autosomal recessive limb-girdle muscular dystrophy type R18 (LGMDR18). Also called: MUSCULAR DYSTROPHY, LIMB-GIRDLE, AUTOSOMAL RECESSIVE 18; Limb-girdle muscular dystrophy, type 2S; Autosomal recessive limb-girdle muscular dystrophy type 2S. Identifiers: Orphanet 369840, MedGen C4517996, MONDO:0014144, OMIM 615356.

Submission:

Labcorp Genetics (formerly Invitae), Labcorp
Classification: Pathogenic for Autosomal recessive limb-girdle muscular dystrophy type R18. Last evaluated: 2021-11-30. Review status: criteria provided, single submitter. Criteria: Invitae Variant Classification Sherloc (09022015). Collection method: clinical testing. Allele origin: germline.
Comment: This variant has not been reported in the literature in individuals affected with TRAPPC11-related conditions. This variant is not present in population databases (gnomAD no frequency). For these reasons, this variant has been classified as Pathogenic. This sequence change creates a premature translational stop signal (p.Glu761Glyfs*7) in the TRAPPC11 gene. It is expected to result in an absent or disrupted protein product. Loss-of-function variants in TRAPPC11 are known to be pathogenic (PMID: 23830518, 26322222).

Literature cited by the submitters: PubMed 23830518; PubMed 26322222.

NM_021942.6(TRAPPC11):c.2281dup (p.Glu761fs)

Genes: TRAPPC11 (trafficking protein particle complex subunit 11; plus strand), LOC126807238 (BRD4-independent group 4 enhancer GRCh37_chr4:184614366-184615565; plus strand). Cytogenetic location: 4q35.1.
Variant type: Duplication.
Coding change: c.2281dup on transcript NM_021942.6 (MANE Select); coding-DNA position 2281, one base duplicated (G; older notation c.2281dupG).
Protein change: p.Glu761fs; shifts the reading frame from glutamic acid 761.
Molecular consequence: frameshift variant.
Genome position (GRCh38, 1-based): chr4:183,693,632, G duplicated. VCF-style (leftmost placement, unchanged base first): chr4-183693631-T-TG. GRCh37 (hg19) VCF-style: chr4-184614784-T-TG.
Other names: c.2281dup, p.Glu761fs (NM_199053.3); short protein forms E761fs.
Identifiers: ClinVar variation 1452649 (VCV001452649.6), dbSNP rs2111067026, ClinGen allele CA2573138144.
Genomic context (GRCh38, chr4:183,693,631, plus strand): 5'-TAAGGTTTCTTTTCAAAGGATCATATCCAGAGTCCCAAACATTTCTGTACATCTGCTACA[T>TG]GAACCCCCTGCACTGACTAATGAAATGTATTGTTTGGTTGTGACTGTTCAGTCCCATGAA-3'